The following is an entry in ClinVar:

NM_001042492.3(NF1):c.8113+10T>C

Gene: NF1 (neurofibromin 1; plus strand). Cytogenetic location: 17q11.2.
Variant type: single nucleotide variant.
Coding change: c.8113+10T>C on transcript NM_001042492.3 (MANE Select); 10 bases into the intron after coding-DNA position 8113, T replaced by C.
Molecular consequence: intron variant.
Genome position (GRCh38, 1-based): chr17:31,358,632, T>C. VCF-style: chr17-31358632-T-C. GRCh37 (hg19) VCF-style: chr17-29685650-T-C.
Other names: c.8050+10T>C (NM_000267.4).
Identifiers: ClinVar variation 756018 (VCV000756018.10), dbSNP rs1336997870, ClinGen allele CA625694114.
Genomic context (GRCh38, chr17:31,358,632, plus strand): 5'-TGGTGTACCATGAAGAATCCCCACCACAATACCAAACATCTTACCTGCAAAGTAAATAAA[T>C]GTATCTGGAGAAGGATGGTTGATGAACTTGCTAACATGCGCGCTGTTGTAGAATGCACTG-3'

ClinVar aggregate classification (germline): Likely benign. Review status: criteria provided, multiple submitters, no conflicts (2 of 4 stars). 2 submissions from 2 submitters: Likely benign (2). Last evaluated 2026-05-14.

Conditions:
Neurofibromatosis, type 1 (NF1). Also called: NEUROFIBROMATOSIS, TYPE I, SOMATIC; Peripheral type neurofibromatosis; VON RECKLINGHAUSEN DISEASE; Neurofibromatosis, type I. Identifiers: Orphanet 636, MedGen C0027831, MONDO:0018975, OMIM 162200. Disease mechanism: loss of function.

Allele frequency attached by ClinVar (database versions not stated): gnomAD exomes below 0.00001.
gnomAD v4.1: 2 of 1,613,966 alleles (0.00012%); highest among the groups gnomAD compares: South Asian, 0.0011%; no homozygotes.

Submissions (2):

Myriad Genetics, Inc.
Classification: Likely benign for Neurofibromatosis, type 1. Last evaluated: 2026-05-14. Review status: criteria provided, single submitter. Criteria: Myriad Autosomal Dominant, Autosomal Recessive and X-Linked Classification Criteria (2023). Collection method: clinical testing. Allele origin: unknown.
Comment: This variant is considered likely benign. This variant is intronic and is not expected to impact mRNA splicing.

Labcorp Genetics (formerly Invitae), Labcorp
Classification: Likely benign for Neurofibromatosis, type 1. Last evaluated: 2025-06-29. Review status: criteria provided, single submitter. Criteria: Invitae Variant Classification Sherloc (09022015). Collection method: clinical testing. Allele origin: germline.